The following is an entry in ClinVar:

NM_152564.5(VPS13B):c.11973C>T (p.Ala3991=)

Gene: VPS13B (vacuolar protein sorting 13 homolog B; plus strand). Cytogenetic location: 8q22.2.
Variant type: single nucleotide variant.
Coding change: c.11973C>T on transcript NM_152564.5 (MANE Select); coding-DNA position 11973, C replaced by T.
Protein change: p.Ala3991=; no amino-acid change (alanine 3991 retained).
Molecular consequence: synonymous variant.
Genome position (GRCh38, 1-based): chr8:99,875,645, C>T. VCF-style: chr8-99875645-C-T. GRCh37 (hg19) VCF-style: chr8-100887873-C-T.
Other names: c.12048C>T, p.Ala4016= (NM_017890.5).
Identifiers: ClinVar variation 754747 (VCV000754747.17), dbSNP rs533954733, ClinGen allele CA4825385.
Genomic context (GRCh38, chr8:99,875,645, plus strand): 5'-GGTTGATCCACATTTTGCTCAGGTCTTCCTTAGTAAATTTACCATGGTGAAAAATAAAGC[C>T]CTGAGGAAAGGGTTTCCTTGAGTCCCCTCTGAGGTGTTTATTCCTGCTTGTGTGATTTAG-3'
Protein context (NP_689777.3, residues 3981-3997): LSKFTMVKNK[Ala3991=]LRKGFP

ClinVar aggregate classification (germline): Conflicting classifications of pathogenicity. Review status: criteria provided, conflicting classifications (1 of 4 stars). 4 submissions from 4 submitters: Uncertain significance (1); Likely benign (2). 1 of the submissions does not count toward it. Last evaluated 2025-07-01.

Conditions:
Cohen syndrome (COH1). Also called: Cutis verticis gyrata, retinitis pigmentosa, and sensorineural deafness; PEPPER SYNDROME. Identifiers: Orphanet 193, MedGen C0265223, MONDO:0008999, OMIM 216550.

Allele frequency attached by ClinVar (database versions not stated): gnomAD 0.00001; gnomAD exomes 0.00001 and 0.00004; ExAC 0.00007; 1000 Genomes Project 30x 0.00031; 1000 Genomes Project 0.00040.
gnomAD v4.1: 20 of 1,614,150 alleles (0.0012%); highest among the groups gnomAD compares: South Asian, 0.02%; no homozygotes.

Submissions (4):

CeGaT Center for Human Genetics Tuebingen
Classification: Uncertain significance. Last evaluated: 2025-07-01. Review status: criteria provided, single submitter. Criteria: CeGaT Center For Human Genetics Tuebingen Variant Classification Criteria Version 2. Collection method: clinical testing. Allele origin: germline. Affected: yes. Observed: 1 variant allele.
Comment: VPS13B: PM2, BP4

Labcorp Genetics (formerly Invitae), Labcorp
Classification: Likely benign for Cohen syndrome. Last evaluated: 2024-02-25. Review status: criteria provided, single submitter. Criteria: Invitae Variant Classification Sherloc (09022015). Collection method: clinical testing. Allele origin: germline.

Blueprint Genetics
Classification: Likely benign. Last evaluated: 2023-10-04. Review status: criteria provided, single submitter. Criteria: ACMG Guidelines, 2015. Collection method: clinical testing. Allele origin: germline.

Natera, Inc.
Classification: Likely benign for Cohen syndrome. Last evaluated: 2021-09-21. Review status: no assertion criteria provided. Collection method: clinical testing. Allele origin: germline. Not counted in ClinVar's aggregate classification.